The following is an entry in ClinVar:

ClinVar aggregate classification (germline): Pathogenic (1 of 4 stars; one submission).

Conditions:
Charcot-Marie-Tooth disease type 2. Also called: Charcot-Marie-Tooth type 2. Identifiers: Orphanet 64746, MedGen C0270914, MONDO:0018993.

Submission:

Labcorp Genetics (formerly Invitae), Labcorp
Classification: Pathogenic for Charcot-Marie-Tooth disease type 2. Last evaluated: 2022-03-20. Review status: criteria provided, single submitter. Criteria: Invitae Variant Classification Sherloc (09022015). Collection method: clinical testing. Allele origin: germline.
Comment: This sequence change creates a premature translational stop signal (p.Arg439Profs*9) in the LMNA gene. It is expected to result in an absent or disrupted protein product. Loss-of-function variants in LMNA are known to be pathogenic (PMID: 18585512, 18926329). This variant is not present in population databases (gnomAD no frequency). This variant has not been reported in the literature in individuals affected with LMNA-related conditions. For these reasons, this variant has been classified as Pathogenic.

Literature cited by the submitters: PubMed 18585512; PubMed 18926329.

NM_170707.4(LMNA):c.1315dup (p.Arg439fs)

Gene: LMNA (lamin A/C; plus strand). Cytogenetic location: 1q22.
Variant type: Duplication.
Coding change: c.1315dup on transcript NM_170707.4 (MANE Select); coding-DNA position 1315, one base duplicated (C; older notation c.1315dupC).
Protein change: p.Arg439fs; shifts the reading frame from arginine 439.
Molecular consequence: frameshift variant.
Genome position (GRCh38, 1-based): chr1:156,136,371, C duplicated. VCF-style (leftmost placement, unchanged base first): chr1-156136370-G-GC. GRCh37 (hg19) VCF-style: chr1-156106161-G-GC.
Other names: c.979dup, p.Arg327fs (NM_001257374.3); c.1072dup, p.Arg358fs (NM_001282624.2); c.1315dup, p.Arg439fs (NM_001282625.2, NM_001282626.2, NM_005572.4 and 1 more transcripts); c.1315dup, p.Arg439Profs (NM_001406983.1, NM_001406984.1, NM_001406985.1 and 2 more transcripts); c.1072dup, p.Arg358Profs (NM_001406986.1, NM_001406987.1); c.1018dup, p.Arg340Profs (NM_001406988.1); c.979dup, p.Arg327Profs (NM_001406989.1, NM_001406998.1); c.757dup, p.Arg253Profs (NM_001406990.1, NM_001407002.1, NM_001407003.1 and 4 more transcripts); and 1 more; short protein forms R327fs, R439fs, R358fs.
Identifiers: ClinVar variation 2114781 (VCV002114781.4), dbSNP rs2527999747, ClinGen allele CA2580061199.
Genomic context (GRCh38, chr1:156,136,370, plus strand): 5'-GCGCAAACTGGAGTCCACTGAGAGCCGCAGCAGCTTCTCACAGCACGCACGCACTAGCGG[G>GC]CGCGTGGCCGTGGAGGAGGTGGATGAGGAGGGCAAGTTTGTCCGGCTGCGCAACAAGTCC-3'